The following is an entry in ClinVar:

ClinVar aggregate classification (germline): Uncertain significance. Review status: criteria provided, multiple submitters, no conflicts (2 of 4 stars). 2 submissions from 2 submitters: Uncertain significance (2). Last evaluated 2022-07-29.

Conditions:
Spondyloenchondrodysplasia with immune dysregulation (SPENCDI). Also called: ROIFMAN IMMUNOSKELETAL SYNDROME; COMBINED IMMUNODEFICIENCY WITH AUTOIMMUNITY AND SPONDYLOMETAPHYSEAL DYSPLASIA; SPONDYLOENCHONDRODYSPLASIA WITH OR WITHOUT IMMUNE DYSREGULATION. Identifiers: Orphanet 1855, MedGen C1842763, MONDO:0011939, OMIM 607944.

Allele frequency attached by ClinVar (database versions not stated): TOPMed below 0.00001; gnomAD exomes 0.00001.
gnomAD v4.1: 6 of 1,613,998 alleles (0.00037%); highest among the groups gnomAD compares: Admixed American, 0.0033%; no homozygotes.

Submissions (2):

GeneDx
Classification: Uncertain significance. Last evaluated: 2022-07-29. Review status: criteria provided, single submitter. Criteria: GeneDx Variant Classification Process June 2021. Collection method: clinical testing. Allele origin: germline. Affected: yes.
Comment: In silico analysis supports that this missense variant has a deleterious effect on protein structure/function; Has not been previously published as pathogenic or benign to our knowledge

Labcorp Genetics (formerly Invitae), Labcorp
Classification: Uncertain significance for Spondyloenchondrodysplasia with immune dysregulation. Last evaluated: 2021-11-10. Review status: criteria provided, single submitter. Criteria: Invitae Variant Classification Sherloc (09022015). Collection method: clinical testing. Allele origin: germline.
Comment: This sequence change replaces aspartic acid, which is acidic and polar, with asparagine, which is neutral and polar, at codon 112 of the ACP5 protein (p.Asp112Asn). This variant is present in population databases (no rsID available, gnomAD 0.004%). This variant has not been reported in the literature in individuals affected with ACP5-related conditions. Algorithms developed to predict the effect of missense changes on protein structure and function are either unavailable or do not agree on the potential impact of this missense change (SIFT: "Not Available"; PolyPhen-2: "Probably Damaging"; Align-GVGD: "Not Available"). In summary, the available evidence is currently insufficient to determine the role of this variant in disease. Therefore, it has been classified as a Variant of Uncertain Significance.

NM_001611.5(ACP5):c.334G>A (p.Asp112Asn)

Gene: ACP5 (acid phosphatase 5, tartrate resistant; minus strand). Cytogenetic location: 19p13.2.
Variant type: single nucleotide variant.
Coding change: c.334G>A on transcript NM_001611.5 (MANE Select); coding-DNA position 334, G replaced by A.
Protein change: p.Asp112Asn; replaces aspartic acid 112 with asparagine.
Molecular consequence: missense variant.
Genome position (GRCh38, 1-based): chr19:11,576,771, C>T on the plus strand (G>A on the coding strand, the complement: ACP5 is on the minus strand). VCF-style: chr19-11576771-C-T. GRCh37 (hg19) VCF-style: chr19-11687586-C-T.
Other names: c.334G>A, p.Asp112Asn (NM_001111034.3, NM_001111035.3, NM_001111036.3 and 1 more transcripts); short protein forms D112N.
Identifiers: ClinVar variation 1493348 (VCV001493348.4), dbSNP rs1252610234, ClinGen allele CA404148156.